The following is an entry in ClinVar:

NM_014855.3(AP5Z1):c.798G>C (p.Arg266Ser)

Gene: AP5Z1 (adaptor related protein complex 5 subunit zeta 1; plus strand). Cytogenetic location: 7p22.1.
Variant type: single nucleotide variant.
Coding change: c.798G>C on transcript NM_014855.3 (MANE Select); coding-DNA position 798, G replaced by C.
Protein change: p.Arg266Ser; replaces arginine 266 with serine.
Molecular consequence: missense variant. On other transcripts: non-coding transcript variant (1).
Genome position (GRCh38, 1-based): chr7:4,784,915, G>C. VCF-style: chr7-4784915-G-C. GRCh37 (hg19) VCF-style: chr7-4824546-G-C.
Other names: c.330G>C, p.Arg110Ser (NM_001364858.1); short protein forms R110S, R266S.
Identifiers: ClinVar variation 2571274 (VCV002571274.27), dbSNP rs2534047486, ClinGen allele CA366660841.

ClinVar aggregate classification (germline): Uncertain significance (1 of 4 stars; one submission).

Submission:

CeGaT Center for Human Genetics Tuebingen
Classification: Uncertain significance. Last evaluated: 2023-06-01. Review status: criteria provided, single submitter. Criteria: CeGaT Center For Human Genetics Tuebingen Variant Classification Criteria Version 2. Collection method: clinical testing. Allele origin: germline. Affected: yes. Observed: 1 variant allele.
Comment: AP5Z1: PM2, BP4